The following is an entry in ClinVar:

NM_001614.5(ACTG1):c.77C>T (p.Ala26Val)

Genes: ACTG1 (actin gamma 1; minus strand), LOC130061940 (ATAC-STARR-seq lymphoblastoid active region 12964; plus strand). Cytogenetic location: 17q25.3.
Variant type: single nucleotide variant.
Coding change: c.77C>T on transcript NM_001614.5 (MANE Select); coding-DNA position 77, C replaced by T.
Protein change: p.Ala26Val; replaces alanine 26 with valine.
Molecular consequence: missense variant. On other transcripts: non-coding transcript variant (1).
Genome position (GRCh38, 1-based): chr17:81,512,278, G>A on the plus strand (C>T on the coding strand, the complement: ACTG1 is on the minus strand). VCF-style: chr17-81512278-G-A. GRCh37 (hg19) VCF-style: chr17-79479304-G-A.
Other names: c.77C>T, p.Ala26Val (NM_001199954.3); short protein forms A26V.
Identifiers: ClinVar variation 1306975 (VCV001306975.5), dbSNP rs371967814, ClinGen allele CA8836402.
Genomic context (GRCh38, chr17:81,512,278, plus strand): 5'-CGCCATCCACTCACCTGGTGTCTGGGGCGCCCGACGATGGAAGGAAACACGGCTCGGGGA[G>A]CGTCGTCCCCAGCAAAACCAGCTTTGCACATGCCGGAGCCATTGTCAATGACCAGCGCGG-3'
Protein context (NP_001605.1, residues 16-36): MCKAGFAGDD[Ala26Val]PRAVFPSIVG

ClinVar aggregate classification (germline): Likely pathogenic (1 of 4 stars; one submission).

Conditions:
Baraitser-winter syndrome 2. Identifiers: Orphanet 2995, MedGen C3281235, MONDO:0013812, OMIM 614583.

Allele frequency attached by ClinVar (database versions not stated): TOPMed 0.00002.

Submission:

GeneDx
Classification: Likely pathogenic. Last evaluated: 2024-10-03. Review status: criteria provided, single submitter. Criteria: GeneDx Variant Classification Process June 2021. Collection method: clinical testing. Allele origin: germline. Affected: yes.
Comment: Not observed at significant frequency in large population cohorts (gnomAD); Missense variants in this gene are a common cause of disease and they are underrepresented in the general population; In silico analysis indicates that this missense variant does not alter protein structure/function; Has not been previously published as pathogenic or benign to our knowledge